The following is an entry in ClinVar:

ClinVar aggregate classification (germline): Likely benign. Review status: criteria provided, multiple submitters, no conflicts (2 of 4 stars). 2 submissions from 2 submitters: Likely benign (2). Last evaluated 2025-03-26.

Conditions:
RAI1-related disorder. Also called: RAI1-related condition.

Submissions (2):

Labcorp Genetics (formerly Invitae), Labcorp
Classification: Likely benign. Last evaluated: 2025-03-26. Review status: criteria provided, single submitter. Criteria: Invitae Variant Classification Sherloc (09022015). Collection method: clinical testing. Allele origin: germline.

PreventionGenetics, part of Exact Sciences
Classification: Likely benign for RAI1-related condition. Last evaluated: 2025-03-05. Review status: criteria provided, single submitter. Criteria: ACMG Guidelines, 2015. Collection method: clinical testing. Allele origin: germline.
Comment: This variant is classified as likely benign based on ACMG/AMP sequence variant interpretation guidelines (Richards et al. 2015 PMID: 25741868, with internal and published modifications).

NM_030665.4(RAI1):c.4532_4555del (p.Pro1511_Pro1518del)

Gene: RAI1 (retinoic acid induced 1; plus strand). Cytogenetic location: 17p11.2.
Variant type: Deletion.
Coding change: c.4532_4555del on transcript NM_030665.4 (MANE Select); coding-DNA positions 4532 to 4555, 24 bases deleted (CGGAGGGCAGGCCCTGCCAGCCCC).
Protein change: p.Pro1511_Pro1518del.
Molecular consequence: inframe deletion.
Genome position (GRCh38, 1-based): chr17:17,797,480-17,797,503, CGGAGGGCAGGCCCTGCCAGCCCC deleted; deleting any 24 consecutive bases within chr17:17,797,472-17,797,503 gives the same sequence; the c. name uses the placement nearest the transcript's 3' end. VCF-style (leftmost placement, unchanged base first): chr17-17797471-CCCAGCCCCCGGAGGGCAGGCCCTG-C. GRCh37 (hg19) VCF-style: chr17-17700785-CCCAGCCCCCGGAGGGCAGGCCCTG-C.
Other names: c.4532_4555del24 (NM_030665.3).
Identifiers: ClinVar variation 2140038 (VCV002140038.5), dbSNP rs766006883, ClinGen allele CA8418970.
Genomic context (GRCh38, chr17:17,797,471, plus strand): 5'-GTGAGGACAACTCTGGTGGAGGAGGCAAGAAGCCAAAGATGGAGGAGCTGGGCCTGGCCT[CCCAGCCCCCGGAGGGCAGGCCCTG>C]CCAGCCCCAGACAAGGGCACAGAAACAGCCAGGCCACACCAACTACAGCAGCTATTCCAA-3'